The following is an entry in ClinVar:

ClinVar aggregate classification (germline): Uncertain significance (1 of 4 stars; one submission).

Submission:

Labcorp Genetics (formerly Invitae), Labcorp
Classification: Uncertain significance. Last evaluated: 2025-07-21. Review status: criteria provided, single submitter. Criteria: Invitae Variant Classification Sherloc (09022015). Collection method: clinical testing. Allele origin: germline.
Comment: This sequence change replaces glycine, which is neutral and non-polar, with arginine, which is basic and polar, at codon 242 of the SEPT9 protein (p.Gly242Arg). This variant is not present in population databases (gnomAD no frequency). This variant has not been reported in the literature in individuals affected with SEPT9-related conditions. Invitae Evidence Modeling of protein sequence and biophysical properties (such as structural, functional, and spatial information, amino acid conservation, physicochemical variation, residue mobility, and thermodynamic stability) indicates that this missense variant is not expected to disrupt SEPT9 protein function with a negative predictive value of 80%. In summary, the available evidence is currently insufficient to determine the role of this variant in disease. Therefore, it has been classified as a Variant of Uncertain Significance.

NM_001113491.2(SEPTIN9):c.778G>C (p.Gly260Arg)

Gene: SEPTIN9 (septin 9; plus strand). Cytogenetic location: 17q25.3.
Variant type: single nucleotide variant.
Coding change: c.778G>C on transcript NM_001113491.2 (MANE Select); coding-DNA position 778, G replaced by C.
Protein change: p.Gly260Arg; replaces glycine 260 with arginine.
Molecular consequence: missense variant.
Genome position (GRCh38, 1-based): chr17:77,482,200, G>C. VCF-style: chr17-77482200-G-C. GRCh37 (hg19) VCF-style: chr17-75478282-G-C.
Other names: c.25G>C, p.Gly9Arg (NM_001293698.2, NM_001113495.2, NM_001113496.2 and 1 more transcripts); c.724G>C, p.Gly242Arg (NM_006640.5); c.286G>C, p.Gly96Arg (NM_001113492.2, NM_001113494.1); c.757G>C, p.Gly253Arg (NM_001113493.2); c.721G>C, p.Gly241Arg (NM_001293695.2); c.106G>C, p.Gly36Arg (NM_001293696.2); short protein forms G242R, G36R, G9R, G241R, G253R, G260R, G96R.
Identifiers: ClinVar variation 4777164 (VCV004777164.1).